The following is an entry in ClinVar:

NM_018191.4(RCBTB1):c.1124G>A (p.Arg375Gln)

Gene: RCBTB1 (RCC1 and BTB domain containing protein 1; minus strand). Cytogenetic location: 13q14.2.
Variant type: single nucleotide variant.
Coding change: c.1124G>A on transcript NM_018191.4 (MANE Select); coding-DNA position 1124, G replaced by A.
Protein change: p.Arg375Gln; replaces arginine 375 with glutamine.
Molecular consequence: missense variant. On other transcripts: non-coding transcript variant (2).
Genome position (GRCh38, 1-based): chr13:49,544,785, C>T on the plus strand (G>A on the coding strand, the complement: RCBTB1 is on the minus strand). VCF-style: chr13-49544785-C-T. GRCh37 (hg19) VCF-style: chr13-50118921-C-T.
Other names: c.1124G>A, p.Arg375Gln (NM_001352500.2, NM_001352501.2, NM_001352502.2 and 2 more transcripts); c.545G>A, p.Arg182Gln (NM_001352506.2); short protein forms R375Q, R182Q.
Identifiers: ClinVar variation 1502682 (VCV001502682.4), dbSNP rs749308756, ClinGen allele CA6982659.

ClinVar aggregate classification (germline): Uncertain significance (1 of 4 stars; one submission).

Allele frequency attached by ClinVar (database versions not stated): gnomAD exomes below 0.00001; ExAC 0.00001; TOPMed 0.00001; gnomAD 0.00002.
gnomAD v4.1: 11 of 1,611,198 alleles (0.00068%); highest among the groups gnomAD compares: African/African-American, 0.0053%; no homozygotes.

Submission:

Labcorp Genetics (formerly Invitae), Labcorp
Classification: Uncertain significance. Last evaluated: 2022-08-09. Review status: criteria provided, single submitter. Criteria: Invitae Variant Classification Sherloc (09022015). Collection method: clinical testing. Allele origin: germline.
Comment: In summary, the available evidence is currently insufficient to determine the role of this variant in disease. Therefore, it has been classified as a Variant of Uncertain Significance. Algorithms developed to predict the effect of missense changes on protein structure and function output the following: SIFT: "Tolerated"; PolyPhen-2: "Benign"; Align-GVGD: "Class C0". The glutamine amino acid residue is found in multiple mammalian species, which suggests that this missense change does not adversely affect protein function. ClinVar contains an entry for this variant (Variation ID: 1502682). This variant has not been reported in the literature in individuals affected with RCBTB1-related conditions. The frequency data for this variant in the population databases is considered unreliable, as metrics indicate poor data quality at this position in the gnomAD database. This sequence change replaces arginine, which is basic and polar, with glutamine, which is neutral and polar, at codon 375 of the RCBTB1 protein (p.Arg375Gln).